The following is an entry in ClinVar:

NM_000138.5(FBN1):c.6577G>A (p.Glu2193Lys)

Gene: FBN1 (fibrillin 1; minus strand). Cytogenetic location: 15q21.1.
Variant type: single nucleotide variant.
Coding change: c.6577G>A on transcript NM_000138.5 (MANE Select); coding-DNA position 6577, G replaced by A.
Protein change: p.Glu2193Lys; replaces glutamic acid 2193 with lysine.
Molecular consequence: missense variant.
Genome position (GRCh38, 1-based): chr15:48,434,633, C>T on the plus strand (G>A on the coding strand, the complement: FBN1 is on the minus strand). VCF-style: chr15-48434633-C-T. GRCh37 (hg19) VCF-style: chr15-48726830-C-T.
Other names: short protein forms E2193K.
Identifiers: ClinVar variation 255306 (VCV000255306.54), dbSNP rs201361628, ClinGen allele CA057010.
Genomic context (GRCh38, chr15:48,434,633, plus strand): 5'-TTCTCTGTTTAAGAGATGTACCTTCACATGTCATCATTGGACCGGGCTCAAATCCCTCCT[C>T]GCAGGTGCATTCAAAACCTCCAATCACATTCTTGCAGGTTCCATTTCCACAAGGATTGCC-3'
Protein context (NP_000129.3, residues 2183-2203): NVIGGFECTC[Glu2193Lys]EGFEPGPMMT

ClinVar aggregate classification (germline): Conflicting classifications of pathogenicity. Review status: criteria provided, conflicting classifications (1 of 4 stars). 19 submissions from 14 submitters: Uncertain significance (16); Benign (1); Likely benign (1). 1 of the submissions does not count toward it. Last evaluated 2026-02-04.

Conditions:
Cardiovascular phenotype. Identifiers: MedGen CN230736.
Familial thoracic aortic aneurysm and aortic dissection (TAAD). Also called: Thoracic aortic aneurysms and dissections. Identifiers: Orphanet 91387, MedGen C4707243, MONDO:0019625.
Acromicric dysplasia (ACMICD). Also called: Acromicric skeletal dysplasia. Identifiers: Orphanet 969, MedGen C0265287, MONDO:0007055, OMIM 102370.
Stiff skin syndrome (SSKS). Identifiers: Orphanet 2833, MedGen C1861456, MONDO:0008492, OMIM 184900.
Marfan syndrome (MFS). Also called: MARFAN SYNDROME, TYPE I; Marfan syndrome type 1; Marfan's syndrome; Marfan syndrome, classic; FBN1-Related Marfan Syndrome. Identifiers: Orphanet 284963, Orphanet 558, MedGen C0024796, MONDO:0007947, OMIM 154700.
Ectopia lentis 1, isolated, autosomal dominant (ECTOL1). Identifiers: Orphanet 1885, MedGen C3541518, MONDO:0007514, OMIM 129600.
Weill-Marchesani syndrome. Also called: WM Syndrome; Mesodermal dysmorphodystrophy congenital. Identifiers: Orphanet 3449, MedGen C0265313, MONDO:0018096.

Allele frequency attached by ClinVar (database versions not stated): ExAC 0.00002; gnomAD exomes 0.00002; TOPMed 0.00003; gnomAD 0.00005 and 0.00006; ESP Exome Variant Server 0.00008.
gnomAD v4.1: 42 of 1,613,716 alleles (0.0026%); highest among the groups gnomAD compares: East Asian, 0.0045%; no homozygotes.

Submissions 1 to 9 of 19:

Labcorp Genetics (formerly Invitae), Labcorp
Classification: Benign for Marfan syndrome; Familial thoracic aortic aneurysm and aortic dissection. Last evaluated: 2026-02-04. Review status: criteria provided, single submitter. Criteria: Invitae Variant Classification Sherloc (09022015). Collection method: clinical testing. Allele origin: germline.

Women's Health and Genetics/Laboratory Corporation of America, LabCorp
Classification: Uncertain significance. Last evaluated: 2026-01-16. Review status: criteria provided, single submitter. Criteria: LabCorp Variant Classification Summary - May 2015. Collection method: clinical testing. Allele origin: germline.
Comment: Variant summary: FBN1 c.6577G>A (p.Glu2193Lys) results in a conservative amino acid change in the encoded protein sequence. Algorithms developed to predict the effect of missense changes on protein structure and function are either unavailable or do not agree on the potential impact of this missense change. The variant allele was found at a frequency of 2e-05 in 251226 control chromosomes. The available data on variant occurrences in the general population are insufficient to allow any conclusion about variant significance. c.6577G>A has been observed in a homozygous individual with features of Marfan Syndrome (Arnaud_2017) and a heterozygous individual with Vascular anomalies (Mattassi_2018). These report(s) do not provide unequivocal conclusions about association of the variant with Marfan Syndrome. To our knowledge, no experimental evidence demonstrating an impact on protein function has been reported. The following publications have been ascertained in the context of this evaluation (PMID: 27582083, 28655553). ClinVar contains an entry for this variant (Variation ID: 255306). Based on the evidence outlined above, the variant was classified as uncertain significance.

Ambry Genetics
Classification: Uncertain significance for Familial thoracic aortic aneurysm and aortic dissection. Last evaluated: 2025-10-23. Review status: criteria provided, single submitter. Criteria: Ambry Variant Classification Scheme 2023. Collection method: clinical testing. Allele origin: germline.
Comment: The p.E2193K variant (also known as c.6577G>A), located in coding exon 53 of the FBN1 gene, results from a G to A substitution at nucleotide position 6577. The glutamic acid at codon 2193 is replaced by lysine, an amino acid with similar properties. This alteration has been reported as homozygous in an individual with features of Marfan syndrome, including aortic dilatation and ectopia lentis, but clinical details were limited and additional family members were not evaluated (Arnaud P et al. J. Med. Genet., 2017 Feb;54:100-103). This alteration was also detected in one individual from a vascular anomalies cohort, but clinical details were not provided (Mattassi R et al. J Vasc Surg. 2018 03;67(3):922-932.e11). This amino acid position is not well conserved in available vertebrate species. In addition, the in silico prediction for this alteration is inconclusive. Since supporting evidence is limited at this time, the clinical significance of this alteration remains unclear.

ARUP Laboratories, Molecular Genetics and Genomics, ARUP Laboratories
Classification: Uncertain significance. Last evaluated: 2025-04-10. Review status: criteria provided, single submitter. Criteria: ARUP Molecular Germline Variant Investigation Process 2024. Collection method: clinical testing. Allele origin: germline.
Comment: The FBN1 c.6577G>A; p.Glu2193Lys variant (rs201361628, ClinVar Variation ID: 255306), is reported in the literature in the homozygous state in at least one individual affected with Marfan syndrome (Arnaud 2017) and in the heterozygous state in individuals with vascular anomalies (Mattassi 2018). This variant is found in the general population with an overall allele frequency of 0.0028% (8/282,630 alleles) in the Genome Aggregation Database (v2.1.1). Computational analyses are uncertain whether this variant is neutral or deleterious (REVEL: 0.357). Due to limited information, the clinical significance of the p.Glu2193Lys variant is uncertain at this time. References: Arnaud P et al. Homozygous and compound heterozygous mutations in the FBN1 gene: unexpected findings in molecular diagnosis of Marfan syndrome. J Med Genet. 2017 Feb;54(2):100-103. PMID: 27582083. Mattassi R et al. Variant discovery in patients with Mendelian vascular anomalies by next-generation sequencing and their use in patient clinical management. J Vasc Surg. 2018 Mar;67(3):922-932.e11. PMID: 28655553.

Molecular Diagnostic Laboratory for Inherited Cardiovascular Disease, Montreal Heart Institute
Classification: Uncertain significance for Cardiovascular phenotype. Last evaluated: 2025-04-09. Review status: criteria provided, single submitter. Criteria: ACMG Guidelines, 2015. Collection method: clinical testing. Allele origin: germline. Affected: yes.
Comment: PP2, BS1

Blueprint Genetics
Classification: Uncertain significance. Last evaluated: 2024-11-08. Review status: criteria provided, single submitter. Criteria: ACMG Guidelines, 2015. Collection method: clinical testing. Allele origin: germline.

All of Us Research Program, National Institutes of Health
Classification: Uncertain significance for Marfan syndrome. Last evaluated: 2024-09-17. Review status: criteria provided, single submitter. Criteria: ACMG Guidelines, 2015. Collection method: clinical testing. Allele origin: germline. Inheritance: Autosomal dominant inheritance. Observed: 23 variant alleles, 23 heterozygotes.
Comment: This missense variant replaces glutamic acid with lysine at codon 2193 of the FBN1 protein. Computational prediction suggests that this variant may not impact protein structure and function (internally defined REVEL score threshold <= 0.5, PMID: 27666373). To our knowledge, functional studies have not been reported for this variant. This variant has been reported in several individuals affected with Marfan syndrome (PMID: 12938084, 27582083, Magyar 2011, dissertation, University of Zurich), in an individual with vascular anomalies (PMID: 28655553), and in a family with Parkinson's disease (Dheeraj, 2018). This variant has also been identified in 8/282630 chromosomes in the general population by the Genome Aggregation Database (gnomAD). The available evidence is insufficient to determine the role of this variant in disease conclusively. Therefore, this variant is classified as a Variant of Uncertain Significance.

This study involves interpretation of variants in research participants for the purpose of population health screening. Participant phenotype was not available at the time of variant classification. Additional details can be found in publication PMID: 35346344, PMCID: PMC8962531

CeGaT Center for Human Genetics Tuebingen
Classification: Uncertain significance. Last evaluated: 2024-06-01. Review status: criteria provided, single submitter. Criteria: CeGaT Center For Human Genetics Tuebingen Variant Classification Criteria Version 2. Collection method: clinical testing. Allele origin: germline. Affected: yes. Observed: 1 variant allele.
Comment: FBN1: PS4:Moderate, PM2:Supporting

Color Diagnostics, LLC DBA Color Health
Classification: Uncertain significance for Familial thoracic aortic aneurysm and aortic dissection. Last evaluated: 2023-11-16. Review status: criteria provided, single submitter. Criteria: ACMG Guidelines, 2015. Collection method: clinical testing. Allele origin: germline.
Comment: This missense variant replaces glutamic acid with lysine at codon 2193 of the FBN1 protein. Computational prediction suggests that this variant may not impact protein structure and function. To our knowledge, functional studies have not been reported for this variant. This variant has been reported in several individuals affected with Marfan syndrome (PMID: 12938084, 27582083, Magyar 2011, dissertation, University of Zurich), in an individual with vascular anomalies (PMID: 28655553), and in a family with Parkinson's disease (Dheeraj, 2018). This variant has also been identified in 8/282630 chromosomes in the general population by the Genome Aggregation Database (gnomAD). The available evidence is insufficient to determine the role of this variant in disease conclusively. Therefore, this variant is classified as a Variant of Uncertain Significance.